The following is an entry in ClinVar:

NM_002471.4(MYH6):c.545C>G (p.Ala182Gly)

Genes: MYH6 (myosin heavy chain 6; minus strand), LOC114827851 (VISTA enhancer hs2155; plus strand). Cytogenetic location: 14q11.2.
Variant type: single nucleotide variant.
Coding change: c.545C>G on transcript NM_002471.4 (MANE Select); coding-DNA position 545, C replaced by G.
Protein change: p.Ala182Gly; replaces alanine 182 with glycine.
Molecular consequence: missense variant.
Genome position (GRCh38, 1-based): chr14:23,404,808, G>C on the plus strand (C>G on the coding strand, the complement: MYH6 is on the minus strand). VCF-style: chr14-23404808-G-C. GRCh37 (hg19) VCF-style: chr14-23874017-G-C.
Other names: short protein forms A182G.
Identifiers: ClinVar variation 4860563 (VCV004860563.1).
Genomic context (GRCh38, chr14:23,404,808, plus strand): 5'-CCTATGGCTGCAATGCTGGCAAAGTACTGGATGACACGCTTGGTGTTCACAGTCTTCCCC[G>C]CCCCGGATTCTCCCCTGGGGGCCACAGAGACCAATCAAAACTCAGGATTCCTACTGTTCT-3'
Protein context (NP_002462.2, residues 172-192): QSILITGESG[Ala182Gly]GKTVNTKRVI

ClinVar aggregate classification (germline): Uncertain significance (1 of 4 stars; one submission).

Conditions:
Cardiovascular phenotype. Identifiers: MedGen CN230736.

Submission:

Ambry Genetics
Classification: Uncertain significance for Cardiovascular phenotype. Last evaluated: 2026-04-20. Review status: criteria provided, single submitter. Criteria: Ambry Variant Classification Scheme 2023. Collection method: clinical testing. Allele origin: germline.
Comment: The p.A182G variant (also known as c.545C>G), located in coding exon 5 of the MYH6 gene, results from a C to G substitution at nucleotide position 545. The alanine at codon 182 is replaced by glycine, an amino acid with similar properties. This amino acid position is conserved. In addition, this alteration is predicted to be deleterious by in silico analysis. Based on the available evidence, the clinical significance of this variant remains unclear.